The following is an entry in ClinVar:

ClinVar aggregate classification (germline): Uncertain significance (1 of 4 stars; one submission).

Submission:

Labcorp Genetics (formerly Invitae), Labcorp
Classification: Uncertain significance. Last evaluated: 2023-05-27. Review status: criteria provided, single submitter. Criteria: Invitae Variant Classification Sherloc (09022015). Collection method: clinical testing. Allele origin: germline.
Comment: This sequence change replaces alanine, which is neutral and non-polar, with proline, which is neutral and non-polar, at codon 425 of the CAMK2B protein (p.Ala425Pro). This variant is not present in population databases (gnomAD no frequency). This variant has not been reported in the literature in individuals affected with CAMK2B-related conditions. Algorithms developed to predict the effect of missense changes on protein structure and function output the following: SIFT: "Not Available"; PolyPhen-2: "Benign"; Align-GVGD: "Not Available". The proline amino acid residue is found in multiple mammalian species, which suggests that this missense change does not adversely affect protein function. In summary, the available evidence is currently insufficient to determine the role of this variant in disease. Therefore, it has been classified as a Variant of Uncertain Significance.

NM_001220.5(CAMK2B):c.1273G>C (p.Ala425Pro)

Gene: CAMK2B (calcium/calmodulin dependent protein kinase II beta; minus strand). Cytogenetic location: 7p13.
Variant type: single nucleotide variant.
Coding change: c.1273G>C on transcript NM_001220.5 (MANE Select); coding-DNA position 1273, G replaced by C.
Protein change: p.Ala425Pro; replaces alanine 425 with proline.
Molecular consequence: missense variant. On other transcripts: intron variant (8).
Genome position (GRCh38, 1-based): chr7:44,229,454, C>G on the plus strand (G>C on the coding strand, the complement: CAMK2B is on the minus strand). VCF-style: chr7-44229454-C-G. GRCh37 (hg19) VCF-style: chr7-44269053-C-G.
Other names: c.947-8553G>C (NM_172084.3); c.1150+1552G>C (NM_172080.3); c.1036+1552G>C (NM_172083.3); c.1108+1552G>C (NM_172081.3); c.1153+1552G>C (NM_172079.3, NM_172082.3); c.1225+1552G>C (NM_001293170.2, NM_172078.3); short protein forms A425P.
Identifiers: ClinVar variation 2735101 (VCV002735101.3), dbSNP rs955151983, ClinGen allele CA157918247.
Genomic context (GRCh38, chr7:44,229,454, plus strand): 5'-CTGGCAGGGGGCTAAAGGGAGCCGGAGATGGGCAGGGCAGGGGCCCCTCGGCTTCTGGGG[C>G]TCCCGAGCCCCTCCTCACTGAGCTCAGGATGTCGGGGACCCTGGGGGCTGAGGCGGAACA-3'
Protein context (NP_001211.3, residues 415-435): ILSSVRRGSG[Ala425Pro]PEAEGPLPCP